The following is an entry in ClinVar:

ClinVar aggregate classification (germline): Uncertain significance (1 of 4 stars; one submission).

Submission:

GeneDx
Classification: Uncertain significance. Last evaluated: 2019-08-22. Review status: criteria provided, single submitter. Criteria: GeneDx Variant Classification Process June 2021. Collection method: clinical testing. Allele origin: germline. Affected: yes.
Comment: Not observed in large population cohorts (Lek et al., 2016); In silico analysis, which includes protein predictors and evolutionary conservation, supports a deleterious effect; Has not been previously published as pathogenic or benign to our knowledge

NM_152296.5(ATP1A3):c.2975A>G (p.Asp992Gly)

Gene: ATP1A3 (ATPase Na+/K+ transporting subunit alpha 3; minus strand). Cytogenetic location: 19q13.2.
Variant type: single nucleotide variant.
Coding change: c.2975A>G on transcript NM_152296.5 (MANE Select); coding-DNA position 2975, A replaced by G.
Protein change: p.Asp992Gly; replaces aspartic acid 992 with glycine.
Molecular consequence: missense variant.
Genome position (GRCh38, 1-based): chr19:41,967,287, T>C on the plus strand (A>G on the coding strand, the complement: ATP1A3 is on the minus strand). VCF-style: chr19-41967287-T-C. GRCh37 (hg19) VCF-style: chr19-42471439-T-C.
Other names: c.3008A>G, p.Asp1003Gly (NM_001256213.2); c.3014A>G, p.Asp1005Gly (NM_001256214.2); short protein forms D1003G, D1005G, D992G.
Identifiers: ClinVar variation 1308114 (VCV001308114.2), dbSNP rs2145941332, ClinGen allele CA406035070.